The following is an entry in ClinVar:

NM_015506.3(MMACHC):c.81+2T>G

Gene: MMACHC (metabolism of cobalamin associated C; plus strand). Cytogenetic location: 1p34.1.
Variant type: single nucleotide variant.
Coding change: c.81+2T>G on transcript NM_015506.3 (MANE Select); the canonical splice donor site of the intron after coding-DNA position 81, T replaced by G.
Molecular consequence: splice donor variant.
Genome position (GRCh38, 1-based): chr1:45,500,415, T>G. VCF-style: chr1-45500415-T-G. GRCh37 (hg19) VCF-style: chr1-45966087-T-G.
Other names: c.-142+2T>G (NM_001330540.2).
Identifiers: ClinVar variation 556899 (VCV000556899.12), dbSNP rs777251123, ClinGen allele CA827623.
Genomic context (GRCh38, chr1:45,500,415, plus strand): 5'-TGAAGCAGAAGATCGAGGACACGCTATGTCCTTTTGGCTTCGAGGTTTACCCCTTCCAGG[T>G]TAGTTTATCCCTCCTGCTGTTCTAGGGCGAAATATATGATTGGCTTCGTTGCAACTGGCG-3'

ClinVar aggregate classification (germline): Pathogenic/Likely pathogenic. Review status: criteria provided, multiple submitters, no conflicts (2 of 4 stars). 4 submissions from 4 submitters: Pathogenic (2); Likely pathogenic (1). 1 of the submissions does not count toward it. Last evaluated 2024-12-21.

Conditions:
Cobalamin C disease. Also called: Cobalamin-C methylmalonic acidemia and homocystinuria; Methylmalonic acidemia and homocystinuria cblC type; Methylmalonic aciduria and homocystinuria, Vitamin B12-responsive; Vitamin B12 metabolic defect with combined deficiency of methylmalonyl-CoA mutase and homocysteine:methyltetrahydrofolate methyltransferase; methylmalonic aciduria and homocystinuria type cblC; Methylmalonic aciduria with homocystinuria cblC type. Identifiers: Orphanet 26, Orphanet 79282, MedGen C1848561, MONDO:0010184, OMIM 277400.

Allele frequency attached by ClinVar (database versions not stated): gnomAD exomes below 0.00001; ExAC 0.00001; TOPMed 0.00002.
gnomAD v4.1: 1 of 1,614,092 alleles (0.000062%); highest among the groups gnomAD compares: East Asian, 0.0022%; no homozygotes.

Submissions (4):

Natera, Inc.
Classification: Pathogenic for Methylmalonic aciduria and homocystinuria cblC type. Last evaluated: 2024-12-21. Review status: criteria provided, single submitter. Criteria: Natera Variant Classification Schema (03/2026). Collection method: clinical testing. Allele origin: germline.
Comment: The c.81+2T>G variant in MMACHC is a canonical splice donor site variant predicted to affect pre-mRNA splicing, which may result in an abnormal transcript and altered protein product. This variant is expected to result in nonsense mediated decay, truncation, or a dysfunctional protein product. This variant is rare in the general population with a frequency below the threshold expected for the associated phenotype(s). This variant has been observed in one or more individuals affected with the associated recessive disease, as either homozygous or compound heterozygous with a second variant (PMID: 19760748). Another variant at this same site results in an alteration predicted to cause a similar molecular effect has been observed in individual(s) with the associated phenotype. Given the available evidence, this variant is classified as Pathogenic.

Labcorp Genetics (formerly Invitae), Labcorp
Classification: Pathogenic for Cobalamin C disease. Last evaluated: 2024-03-07. Review status: criteria provided, single submitter. Criteria: Invitae Variant Classification Sherloc (09022015). Collection method: clinical testing. Allele origin: germline.
Comment: This sequence change affects a donor splice site in intron 1 of the MMACHC gene. It is expected to disrupt RNA splicing. Variants that disrupt the donor or acceptor splice site typically lead to a loss of protein function (PMID: 16199547), and loss-of-function variants in MMACHC are known to be pathogenic (PMID: 16311595). This variant is present in population databases (rs777251123, gnomAD 0.006%). Disruption of this splice site has been observed in individuals with methylmalonic aciduria and homocystinuria (PMID: 16311595, 19760748, 26979128; Invitae). ClinVar contains an entry for this variant (Variation ID: 556899). Algorithms developed to predict the effect of sequence changes on RNA splicing suggest that this variant may disrupt the consensus splice site. For these reasons, this variant has been classified as Pathogenic.

Genome-Nilou Lab
Classification: Likely pathogenic for Cobalamin C disease. Last evaluated: 2023-04-11. Review status: criteria provided, single submitter. Criteria: ACMG Guidelines, 2015. Collection method: clinical testing. Allele origin: germline. Affected: no.

Counsyl
Classification: Likely pathogenic for Cobalamin C disease. Last evaluated: 2018-02-26. Review status: no assertion criteria provided. Collection method: clinical testing. Allele origin: unknown. Not counted in ClinVar's aggregate classification.

Literature cited by the submitters: PubMed 19760748 (cited by 3 submitters); PubMed 16199547 (cited by Labcorp Genetics (formerly Invitae), Labcorp); PubMed 16311595 (cited by Labcorp Genetics (formerly Invitae), Labcorp); PubMed 26979128 (cited by Labcorp Genetics (formerly Invitae), Labcorp).